The following is an entry in ClinVar:

ClinVar aggregate classification (germline): Conflicting classifications of pathogenicity. Review status: criteria provided, conflicting classifications (1 of 4 stars). 5 submissions from 5 submitters: Uncertain significance (1); Likely benign (3). 1 of the submissions does not count toward it. Last evaluated 2025-10-01.

Conditions:
Cardiovascular phenotype. Identifiers: MedGen CN230736.
Cardiomyopathy (CMYO). Also called: Cardiomyopathies. Identifiers: Orphanet 167848, MedGen C0878544, MONDO:0004994, HP:0001638. Inheritance: Various modes of inheritance.
Becker muscular dystrophy (BMD). Also called: MUSCULAR DYSTROPHY, PSEUDOHYPERTROPHIC PROGRESSIVE, BECKER TYPE; Becker Muscular Dystrophy (BMD). Identifiers: Orphanet 98895, MedGen C0917713, MONDO:0010311, OMIM 300376.
Duchenne muscular dystrophy (DMD). Also called: Duchenne Muscular Dystrophy (DMD); MUSCULAR DYSTROPHY, PSEUDOHYPERTROPHIC PROGRESSIVE, DUCHENNE TYPE. Identifiers: Orphanet 98896, MedGen C0013264, MONDO:0010679, OMIM 310200.
Dystrophin deficiency.

Allele frequency attached by ClinVar (database versions not stated): TOPMed 0.00001.
gnomAD v4.1: 5 of 1,209,900 alleles (0.00041%); highest among the groups gnomAD compares: Admixed American, 0.0022%; no homozygotes.

Submissions (5):

Labcorp Genetics (formerly Invitae), Labcorp
Classification: Likely benign for Duchenne muscular dystrophy. Last evaluated: 2025-10-01. Review status: criteria provided, single submitter. Criteria: Invitae Variant Classification Sherloc (09022015). Collection method: clinical testing. Allele origin: germline.

Ambry Genetics
Classification: Likely benign for Cardiovascular phenotype. Last evaluated: 2025-01-13. Review status: criteria provided, single submitter. Criteria: Ambry Variant Classification Scheme 2023. Collection method: clinical testing. Allele origin: germline.

GeneDx
Classification: Likely benign. Last evaluated: 2018-05-18. Review status: criteria provided, single submitter. Criteria: GeneDx Variant Classification (06012015). Collection method: clinical testing. Allele origin: germline. Affected: yes.
Comment: This variant is considered likely benign or benign based on one or more of the following criteria: it is a conservative change, it occurs at a poorly conserved position in the protein, it is predicted to be benign by multiple in silico algorithms, and/or has population frequency not consistent with disease.

Eurofins Ntd Llc (ga)
Classification: Uncertain significance. Last evaluated: 2015-11-04. Review status: criteria provided, single submitter. Criteria: EGL Classification Definitions 2015. Collection method: clinical testing. Allele origin: germline. Observed: 1 variant allele, 1 hemizygote.

Natera, Inc.
Classification: Likely benign for Becker muscular dystrophy; Cardiomyopathy; Duchenne muscular dystrophy; Dystrophin deficiency. Last evaluated: 2020-06-30. Review status: no assertion criteria provided. Collection method: clinical testing. Allele origin: germline. Not counted in ClinVar's aggregate classification.

NM_004006.3(DMD):c.8322G>T (p.Leu2774=)

Gene: DMD (dystrophin; minus strand). Cytogenetic location: Xp21.1.
Variant type: single nucleotide variant.
Coding change: c.8322G>T on transcript NM_004006.3 (MANE Select); coding-DNA position 8322, G replaced by T.
Protein change: p.Leu2774=; no amino-acid change (leucine 2774 retained).
Molecular consequence: synonymous variant.
Genome position (GRCh38, 1-based): chrX:31,507,349, C>A on the plus strand (G>T on the coding strand, the complement: DMD is on the minus strand). VCF-style: chrX-31507349-C-A. GRCh37 (hg19) VCF-style: chrX-31525466-C-A.
Other names: c.8298G>T, p.Leu2766= (NM_000109.4); c.8310G>T, p.Leu2770= (NM_004009.3); c.7953G>T, p.Leu2651= (NM_004010.3); c.4299G>T, p.Leu1433= (NM_004011.4); c.4290G>T, p.Leu1430= (NM_004012.4); c.942G>T, p.Leu314= (NM_004013.3, NM_004020.4, NM_004021.3 and 2 more transcripts); c.135G>T, p.Leu45= (NM_004014.3).
Identifiers: ClinVar variation 284686 (VCV000284686.17), dbSNP rs72466575, ClinGen allele CA10378094.